The following is an entry in ClinVar:

NM_005450.6(NOG):c.379G>T (p.Glu127Ter)

Gene: NOG (noggin; plus strand). Cytogenetic location: 17q22.
Variant type: single nucleotide variant.
Coding change: c.379G>T on transcript NM_005450.6 (MANE Select); coding-DNA position 379, G replaced by T.
Protein change: p.Glu127Ter; replaces glutamic acid 127 with a stop codon.
Molecular consequence: nonsense.
Genome position (GRCh38, 1-based): chr17:56,594,602, G>T. VCF-style: chr17-56594602-G-T. GRCh37 (hg19) VCF-style: chr17-54671963-G-T.
Other names: short protein forms E127*.
Identifiers: ClinVar variation 1299560 (VCV001299560.7), dbSNP rs1328705140, ClinGen allele CA399965966.

ClinVar aggregate classification (germline): Pathogenic/Likely pathogenic. Review status: criteria provided, multiple submitters, no conflicts (2 of 4 stars). 2 submissions from 2 submitters: Pathogenic (1); Likely pathogenic (1). Last evaluated 2021-10-01.

Conditions:
Brachydactyly type B2 (BDB2). Identifiers: Orphanet 140908, MedGen C1969652, MONDO:0012658, OMIM 611377.

Submissions (2):

Laboratory of Medical Genetics, National & Kapodistrian University of Athens
Classification: Pathogenic for Brachydactyly type B2. Last evaluated: 2021-10-01. Review status: criteria provided, single submitter. Criteria: ACMG Guidelines, 2015. Collection method: clinical testing. Allele origin: unknown. Affected: yes.
Comment: PVS1, PM2, PP3

Labcorp Genetics (formerly Invitae), Labcorp
Classification: Likely pathogenic. Last evaluated: 2021-07-27. Review status: criteria provided, single submitter. Criteria: Invitae Variant Classification Sherloc (09022015). Collection method: clinical testing. Allele origin: germline.
Comment: In summary, the currently available evidence indicates that the variant is pathogenic, but additional data are needed to prove that conclusively. Therefore, this variant has been classified as Likely Pathogenic. This premature translational stop signal has been observed in individual(s) with symphalangism (Invitae). In at least one individual the variant was observed to be de novo. This variant is not present in population databases (ExAC no frequency). This sequence change creates a premature translational stop signal (p.Glu127*) in the NOG gene. While this is not anticipated to result in nonsense mediated decay, it is expected to disrupt the last 106 amino acid(s) of the NOG protein.

Literature cited by the submitters: PubMed 34008892 (cited by Laboratory of Medical Genetics, National & Kapodistrian University of Athens).